The following is an entry in ClinVar:

NM_021922.3(FANCE):c.72_101delinsG (p.Pro25fs)

Genes: FANCE (FA complementation group E; plus strand), LOC129996245 (ATAC-STARR-seq lymphoblastoid silent region 17092; plus strand). Cytogenetic location: 6p21.31.
Variant type: Indel.
Coding change: c.72_101delinsG on transcript NM_021922.3 (MANE Select); coding-DNA positions 72 to 101, CCCCGCCCGCCTCCTGCTGCAGGCGCTGCA replaced by G.
Protein change: p.Pro25fs; shifts the reading frame from proline 25.
Molecular consequence: frameshift variant.
Genome position (GRCh38, 1-based): chr6:35,452,617-35,452,646, CCCCGCCCGCCTCCTGCTGCAGGCGCTGCA replaced by G. VCF-style: chr6-35452617-CCCCGCCCGCCTCCTGCTGCAGGCGCTGCA-G. GRCh37 (hg19) VCF-style: chr6-35420394-CCCCGCCCGCCTCCTGCTGCAGGCGCTGCA-G.
Other names: c.72_101delinsG, p.Pro25fs (NM_001410876.1); short protein forms P25fs.
Identifiers: ClinVar variation 4880822 (VCV004880822.2).
Genomic context (GRCh38, chr6:35,452,617, plus strand): 5'-GGACGCGGGGCTCCCTGGGGCTGAGGGCGTGGAGCCGGCGCCCTGGGCGCAGCTGGAGGC[CCCCGCCCGCCTCCTGCTGCAGGCGCTGCA>G]GGCGGGGCCTGAGGGGGCGCGGCGCGGCCTGGGGGTGCTCCGGGCGCTGGGCAGCCGCGG-3'

ClinVar aggregate classification (germline): Likely pathogenic (1 of 4 stars; one submission).

Conditions:
Fanconi anemia complementation group E (FANCE). Also called: FANCE-Related Fanconi Anemia. Identifiers: Orphanet 84, MedGen C3160739, MONDO:0010953, OMIM 600901.

Submission:

Dasa
Classification: Likely pathogenic for Fanconi anemia complementation group E. Last evaluated: 2025-11-25. Review status: criteria provided, single submitter. Criteria: DASA Assertion Criteria. Collection method: clinical testing. Allele origin: germline.
Comment: NM_021922.3(FANCE):c.72_101delinsG (p.Pro25Glyfs*4) is a frameshift variant in FANCE predicted to alter the reading frame and introduce a premature termination codon and is predicted to result in an absent or altered protein product. Loss of function is an established disease mechanism for FANCE-associated disorders. Also, this variant is absent from population databases. Based on the currently available evidence, this variant is classified as likely pathogenic.